The following is an entry in ClinVar:

ClinVar aggregate classification (germline): Benign (1 of 4 stars; one submission).

Allele frequency attached by ClinVar (database versions not stated): gnomAD exomes 0.12332; gnomAD 0.13376 and 0.13976; TOPMed 0.15185; 1000 Genomes Project 0.19728; 1000 Genomes Project 30x 0.19909.
gnomAD v4.1: 54,195 of 422,200 alleles (13%); highest among the groups gnomAD compares: East Asian, 38%; 4,859 homozygotes.

Submission:

GeneDx
Classification: Benign. Last evaluated: 2018-06-18. Review status: criteria provided, single submitter. Criteria: GeneDx Variant Classification (06012015). Collection method: clinical testing. Allele origin: germline. Affected: yes.
Comment: This variant is considered likely benign or benign based on one or more of the following criteria: it is a conservative change, it occurs at a poorly conserved position in the protein, it is predicted to be benign by multiple in silico algorithms, and/or has population frequency not consistent with disease.

NM_005609.4(PYGM):c.1969+293A>G

Gene: PYGM (glycogen phosphorylase, muscle associated; minus strand). Cytogenetic location: 11q13.1.
Variant type: single nucleotide variant.
Coding change: c.1969+293A>G on transcript NM_005609.4 (MANE Select); 293 bases into the intron after coding-DNA position 1969, A replaced by G.
Molecular consequence: intron variant.
Genome position (GRCh38, 1-based): chr11:64,751,032, T>C on the plus strand (A>G on the coding strand, the complement: PYGM is on the minus strand). VCF-style: chr11-64751032-T-C. GRCh37 (hg19) VCF-style: chr11-64518504-T-C.
Other names: c.1705+293A>G (NM_001164716.1).
Identifiers: ClinVar variation 680732 (VCV000680732.1), dbSNP rs506354, ClinGen allele CA223898050.